The following is an entry in ClinVar:

ClinVar aggregate classification (germline): Uncertain significance (1 of 4 stars; one submission).

Allele frequency attached by ClinVar (database versions not stated): gnomAD exomes below 0.00001.
gnomAD v4.1: 1 of 1,614,198 alleles (0.000062%); highest among the groups gnomAD compares: Non-Finnish European, 0.000085%; no homozygotes.

Submission:

Labcorp Genetics (formerly Invitae), Labcorp
Classification: Uncertain significance. Last evaluated: 2022-07-18. Review status: criteria provided, single submitter. Criteria: Invitae Variant Classification Sherloc (09022015). Collection method: clinical testing. Allele origin: germline.
Comment: In summary, the available evidence is currently insufficient to determine the role of this variant in disease. Therefore, it has been classified as a Variant of Uncertain Significance. Algorithms developed to predict the effect of missense changes on protein structure and function are either unavailable or do not agree on the potential impact of this missense change (SIFT: "Deleterious"; PolyPhen-2: "Benign"; Align-GVGD: "Class C0"). This variant has not been reported in the literature in individuals affected with EIF2B2-related conditions. This variant is not present in population databases (gnomAD no frequency). This sequence change replaces alanine, which is neutral and non-polar, with threonine, which is neutral and polar, at codon 269 of the EIF2B2 protein (p.Ala269Thr).

NM_014239.4(EIF2B2):c.805G>A (p.Ala269Thr)

Gene: EIF2B2 (eukaryotic translation initiation factor 2B subunit beta; plus strand). Cytogenetic location: 14q24.3.
Variant type: single nucleotide variant.
Coding change: c.805G>A on transcript NM_014239.4 (MANE Select); coding-DNA position 805, G replaced by A.
Protein change: p.Ala269Thr; replaces alanine 269 with threonine.
Molecular consequence: missense variant.
Genome position (GRCh38, 1-based): chr14:75,006,688, G>A. VCF-style: chr14-75006688-G-A. GRCh37 (hg19) VCF-style: chr14-75473391-G-A.
Other names: short protein forms A269T.
Identifiers: ClinVar variation 2016109 (VCV002016109.4), dbSNP rs2503008050, ClinGen allele CA390428986.